The following is an entry in ClinVar:

ClinVar aggregate classification (germline): Uncertain significance. Review status: reviewed by expert panel (3 of 4 stars). 2 submissions from 2 submitters: Uncertain significance (1). 1 of the submissions does not count toward it. Last evaluated 2025-11-26.

Conditions:
Monogenic diabetes. Identifiers: Orphanet 183625, MedGen C3888631, MONDO:0015967.

Allele frequency attached by ClinVar (database versions not stated): gnomAD exomes 0.00001; gnomAD 0.00001; TOPMed below 0.00001; 1000 Genomes Project 30x 0.00016; 1000 Genomes Project 0.00020.

Submissions (2):

ClinGen Monogenic Diabetes Variant Curation Expert Panel
Classification: Uncertain significance for Monogenic diabetes. Last evaluated: 2025-11-26. Review status: reviewed by expert panel. Criteria: ClinGen Diabetes ACMG Specifications HNF1A V3.1.0. Collection method: curation. Allele origin: germline. Inheritance: Autosomal dominant inheritance.
Comment: The c.203G>A variant in the HNF1 homeobox A gene, HNF1A, causes an amino acid change of arginine to glutamine at codon 68 (p.(Arg68Gln)) of NM_000545.8. The Grpmax filtering allele frequency of the c.203G>A variant in gnomAD v4.1.0 is 0.00000956, which falls between ClinGen MDEP-established cutoffs for PM2_Supporting and BS1; thus, neither criterion will be applied. This variant has a REVEL score of 0.448, which is between the ClinGen MDEP thresholds for BP4 and PP3, predicting neither a damaging nor benign impact on HNF1A function. This variant segregated with diabetes with two informative meioses in a single family; however, this does not meet the thresholds for PP1 set by the ClinGen MDEP (PMID: 27236918, internal lab contributors). This variant was identified in an individual(s) with diabetes; however, the calculated MODY probability is <50% (internal lab contributors). Another missense variant at the same residue, c.202C>T (p.(Arg68Trp)), has been classified as a VUS by the ClinGen MDEP; therefore PM5 will not be applied. In summary, c.203G>A meets the criteria to be classified as a variant of uncertain significance for monogenic diabetes. ACMG/AMP criteria applied, as specified by the ClinGen MDEP (specification version 3.1.0, approved 10/10/2025): none.

Labcorp Genetics (formerly Invitae), Labcorp
Classification: Uncertain significance. Last evaluated: 2022-06-24. Review status: criteria provided, single submitter. Criteria: Invitae Variant Classification Sherloc (09022015). Collection method: clinical testing. Allele origin: germline. Not counted in ClinVar's aggregate classification.
Comment: This sequence change replaces arginine, which is basic and polar, with glutamine, which is neutral and polar, at codon 68 of the HNF1A protein (p.Arg68Gln). The frequency data for this variant in the population databases is considered unreliable, as metrics indicate poor data quality at this position in the gnomAD database. This variant has not been reported in the literature in individuals affected with HNF1A-related conditions. Advanced modeling of protein sequence and biophysical properties (such as structural, functional, and spatial information, amino acid conservation, physicochemical variation, residue mobility, and thermodynamic stability) performed at Invitae indicates that this missense variant is not expected to disrupt HNF1A protein function. In summary, the available evidence is currently insufficient to determine the role of this variant in disease. Therefore, it has been classified as a Variant of Uncertain Significance.

NM_000545.8(HNF1A):c.203G>A (p.Arg68Gln)

Gene: HNF1A (HNF1 homeobox A; plus strand). Cytogenetic location: 12q24.31.
Variant type: single nucleotide variant.
Coding change: c.203G>A on transcript NM_000545.8 (MANE Select); coding-DNA position 203, G replaced by A.
Protein change: p.Arg68Gln; replaces arginine 68 with glutamine.
Molecular consequence: missense variant.
Genome position (GRCh38, 1-based): chr12:120,978,971, G>A. VCF-style: chr12-120978971-G-A. GRCh37 (hg19) VCF-style: chr12-121416774-G-A.
Other names: NM_001306179.2:c.203G>A; c.203G>A, p.Arg68Gln (NM_001306179.2); short protein forms R68Q.
Identifiers: ClinVar variation 1676693 (VCV001676693.6), dbSNP rs188085301, ClinGen allele CA244520882.